The following is an entry in ClinVar:

ClinVar aggregate classification (germline): Likely benign (1 of 4 stars; one submission).

Conditions:
PCNT-related disorder. Also called: PCNT-related condition.

gnomAD v4.1: 4 of 1,606,580 alleles (0.00025%); highest among the groups gnomAD compares: Non-Finnish European, 0.00034%; no homozygotes.

Submission:

PreventionGenetics, part of Exact Sciences
Classification: Likely benign for PCNT-related condition. Last evaluated: 2025-07-08. Review status: criteria provided, single submitter. Criteria: ACMG Guidelines, 2015. Collection method: clinical testing. Allele origin: germline.
Comment: This variant is classified as likely benign based on ACMG/AMP sequence variant interpretation guidelines (Richards et al. 2015 PMID: 25741868, with internal and published modifications).

NM_006031.6(PCNT):c.4578T>C (p.Asp1526=)

Gene: PCNT (pericentrin; plus strand). Cytogenetic location: 21q22.3.
Variant type: single nucleotide variant.
Coding change: c.4578T>C on transcript NM_006031.6 (MANE Select); coding-DNA position 4578, T replaced by C.
Protein change: p.Asp1526=; no amino-acid change (aspartic acid 1526 retained).
Molecular consequence: synonymous variant.
Genome position (GRCh38, 1-based): chr21:46,398,249, T>C. VCF-style: chr21-46398249-T-C. GRCh37 (hg19) VCF-style: chr21-47818163-T-C.
Other names: c.4224T>C, p.Asp1408= (NM_001315529.2).
Identifiers: ClinVar variation 5001913 (VCV005001913.1).